The following is an entry in ClinVar:

NM_021975.4(RELA):c.427+6G>A

Gene: RELA (RELA proto-oncogene, NF-kB subunit; minus strand). Cytogenetic location: 11q13.1.
Variant type: single nucleotide variant.
Coding change: c.427+6G>A on transcript NM_021975.4 (MANE Select); 6 bases into the intron after coding-DNA position 427, G replaced by A.
Molecular consequence: intron variant.
Genome position (GRCh38, 1-based): chr11:65,660,118, C>T on the plus strand (G>A on the coding strand, the complement: RELA is on the minus strand). VCF-style: chr11-65660118-C-T. GRCh37 (hg19) VCF-style: chr11-65427589-C-T.
Other names: c.334+6G>A (NM_001404662.1, NM_001404663.1); c.400+6G>A (NM_001404658.1); c.47-321G>A (NM_001404661.1); c.427+6G>A (NM_001145138.2, NM_001404660.1, NM_001404659.1 and 2 more transcripts); c.460+6G>A (NM_001404657.1).
Identifiers: ClinVar variation 3684030 (VCV003684030.2).

ClinVar aggregate classification (germline): Uncertain significance (1 of 4 stars; one submission).

Submission:

Labcorp Genetics (formerly Invitae), Labcorp
Classification: Uncertain significance. Last evaluated: 2024-09-29. Review status: criteria provided, single submitter. Criteria: Invitae Variant Classification Sherloc (09022015). Collection method: clinical testing. Allele origin: germline.
Comment: This sequence change falls in intron 5 of the RELA gene. It does not directly change the encoded amino acid sequence of the RELA protein. It affects a nucleotide within the consensus splice site. This variant is present in population databases (no rsID available, gnomAD 0.003%). This variant has not been reported in the literature in individuals affected with RELA-related conditions. Variants that disrupt the consensus splice site are a relatively common cause of aberrant splicing (PMID: 17576681, 9536098). Algorithms developed to predict the effect of sequence changes on RNA splicing suggest that this variant is not likely to affect RNA splicing. In summary, the available evidence is currently insufficient to determine the role of this variant in disease. Therefore, it has been classified as a Variant of Uncertain Significance.

Literature cited by the submitters: PubMed 17576681; PubMed 9536098.